The following is an entry in ClinVar:

ClinVar aggregate classification (germline): Uncertain significance (1 of 4 stars; one submission).

Allele frequency attached by ClinVar (database versions not stated): 1000 Genomes Project 30x 0.00016; gnomAD 0.00016; 1000 Genomes Project 0.00020; TOPMed 0.00026; ExAC 0.00027; gnomAD exomes 0.00032.
gnomAD v4.1: 486 of 1,613,108 alleles (0.03%); highest among the groups gnomAD compares: Non-Finnish European, 0.039%; 1 homozygote.

Submission:

Labcorp Genetics (formerly Invitae), Labcorp
Classification: Uncertain significance. Last evaluated: 2022-08-15. Review status: criteria provided, single submitter. Criteria: Invitae Variant Classification Sherloc (09022015). Collection method: clinical testing. Allele origin: germline.
Comment: This sequence change replaces valine, which is neutral and non-polar, with isoleucine, which is neutral and non-polar, at codon 727 of the ASPH protein (p.Val727Ile). This variant is present in population databases (rs147092046, gnomAD 0.05%), including at least one homozygous and/or hemizygous individual. This variant has not been reported in the literature in individuals affected with ASPH-related conditions. Algorithms developed to predict the effect of missense changes on protein structure and function (SIFT, PolyPhen-2, Align-GVGD) all suggest that this variant is likely to be disruptive. In summary, the available evidence is currently insufficient to determine the role of this variant in disease. Therefore, it has been classified as a Variant of Uncertain Significance.

NM_004318.4(ASPH):c.2179G>A (p.Val727Ile)

Gene: ASPH (aspartate beta-hydroxylase; minus strand). Cytogenetic location: 8q12.3.
Variant type: single nucleotide variant.
Coding change: c.2179G>A on transcript NM_004318.4 (MANE Select); coding-DNA position 2179, G replaced by A.
Protein change: p.Val727Ile; replaces valine 727 with isoleucine.
Molecular consequence: missense variant.
Genome position (GRCh38, 1-based): chr8:61,503,457, C>T on the plus strand (G>A on the coding strand, the complement: ASPH is on the minus strand). VCF-style: chr8-61503457-C-T. GRCh37 (hg19) VCF-style: chr8-62416016-C-T.
Other names: c.2092G>A, p.Val698Ile (NM_001164750.2, NM_001413864.1, NM_001413865.1 and 1 more transcripts); c.2260G>A, p.Val754Ile (NM_001413844.1); c.2224G>A, p.Val742Ile (NM_001413845.1); c.2221G>A, p.Val741Ile (NM_001413846.1); c.2203G>A, p.Val735Ile (NM_001413847.1); c.2182G>A, p.Val728Ile (NM_001413848.1); c.2179G>A, p.Val727Ile (NM_001413849.1); c.2176G>A, p.Val726Ile (NM_001413850.1, NM_001413851.1); and 36 more; short protein forms V565I, V646I, V650I, V655I, V692I, V698I, V707I, V713I.
Identifiers: ClinVar variation 2168369 (VCV002168369.4), dbSNP rs147092046, ClinGen allele CA4761487.